The following is an entry in ClinVar:

NM_003482.4(KMT2D):c.2126C>A (p.Pro709Gln)

Gene: KMT2D (lysine methyltransferase 2D; minus strand). Cytogenetic location: 12q13.12.
Variant type: single nucleotide variant.
Coding change: c.2126C>A on transcript NM_003482.4 (MANE Select); coding-DNA position 2126, C replaced by A.
Protein change: p.Pro709Gln; replaces proline 709 with glutamine.
Molecular consequence: missense variant.
Genome position (GRCh38, 1-based): chr12:49,051,557, G>T on the plus strand (C>A on the coding strand, the complement: KMT2D is on the minus strand). VCF-style: chr12-49051557-G-T. GRCh37 (hg19) VCF-style: chr12-49445340-G-T.
Other names: short protein forms P709Q.
Identifiers: ClinVar variation 1716889 (VCV001716889.5), dbSNP rs1298153579, ClinGen allele CA384668377.
Genomic context (GRCh38, chr12:49,051,557, plus strand): 5'-GGTAGTGGCAACAGGGGTGACTCCTCCAGCGGCAGGGACATGAGCGAGTCCTCCGGTGGT[G>T]GGGAAGCAGGTGAGTCCTCAGGTGGTGGGGATGTGGGGGAGTCCTCAGGTGGTGGGGAGA-3'
Protein context (NP_003473.3, residues 699-719): SPPPEDSPAS[Pro709Gln]PPEDSLMSLP

ClinVar aggregate classification (germline): Uncertain significance (1 of 4 stars; one submission).

Conditions:
Kabuki syndrome. Also called: Kabuki make-up syndrome; NIIKAWA-KUROKI SYNDROME. Identifiers: Orphanet 2322, MedGen C0796004, MONDO:0016512.

Submission:

Labcorp Genetics (formerly Invitae), Labcorp
Classification: Uncertain significance for Kabuki syndrome. Last evaluated: 2022-08-22. Review status: criteria provided, single submitter. Criteria: Invitae Variant Classification Sherloc (09022015). Collection method: clinical testing. Allele origin: germline.
Comment: This sequence change replaces proline, which is neutral and non-polar, with glutamine, which is neutral and polar, at codon 709 of the KMT2D protein (p.Pro709Gln). This variant is not present in population databases (gnomAD no frequency). In summary, the available evidence is currently insufficient to determine the role of this variant in disease. Therefore, it has been classified as a Variant of Uncertain Significance. Advanced modeling of protein sequence and biophysical properties (such as structural, functional, and spatial information, amino acid conservation, physicochemical variation, residue mobility, and thermodynamic stability) performed at Invitae indicates that this missense variant is not expected to disrupt KMT2D protein function. This variant has not been reported in the literature in individuals affected with KMT2D-related conditions.